The following is an entry in ClinVar:

ClinVar aggregate classification (germline): Pathogenic/Likely pathogenic. Review status: criteria provided, multiple submitters, no conflicts (2 of 4 stars). 2 submissions from 2 submitters: Pathogenic (1); Likely pathogenic (1). Last evaluated 2019-03-26.

Conditions:
Von Hippel-Lindau syndrome (VHLS). Also called: von Hippel–Lindau syndrome; Von Hippel-Lindau; VHL syndrome. Identifiers: Orphanet 892, MedGen C0019562, MONDO:0008667, OMIM 193300. Disease mechanism: loss of function.

Submissions (2):

Laboratory for Molecular Medicine, Mass General Brigham Personalized Medicine
Classification: Likely pathogenic for Von Hippel-Lindau syndrome. Last evaluated: 2019-03-26. Review status: criteria provided, single submitter. Criteria: LMM Criteria. Collection method: clinical testing. Allele origin: germline. Inheritance: Autosomal dominant inheritance. Observed: 1 variant allele.
Comment: The p.Gln145PhefsX12 variant in VHL has not been previously reported in individuals with von Hippel-Lindau (VHL) syndrome or in large population studies. This variant is predicted to cause a frameshift, which alters the proteinâ€™s amino acid sequence beginning at position 145 and leads to a premature termination codon 12 amino acids downstream. This termination codon occurs within the terminal 50 bases of the second to last exon and is, therefore, likely to escape nonsense mediated decay (NMD) and result in a truncated protein. Different frameshift variants at this position (p.Gln145TyrfsX27, p.Gln145HisfsX28) have been reported in individuals with VHL syndrome (Stolle 1998, Peng 2017). Additionally, frameshift and other loss of function variants downstream of the p.Gln145PhefsX12 variant, including a truncating variant (p.Tyr175X) that has been determined to be pathogenic, have been reported in individuals with VHL syndrome (HGMD database, Stenson 2017), suggesting that this region of the VHL protein may play an important role in disease. In summary, although additional studies are required to fully establish its clinical significance, the p.Gln145PhefsX12 variant is likely pathogenic for autosomal dominant VHL syndrome based on predicted impact to the protein and absence from large population studies. ACMG/AMP Criteria applied: PVS1_Strong; PM2.

Genomic Diagnostic Laboratory, Division of Genomic Diagnostics, Children's Hospital of Philadelphia
Classification: Pathogenic for von Hippel-Lindau syndrome. Last evaluated: 2018-08-01. Review status: criteria provided, single submitter. Criteria: DGD Variant Analysis Guidelines. Collection method: clinical testing. Allele origin: germline. Affected: yes. Observed: 1 variant allele.

Literature cited by the submitters: PubMed 28349240 (cited by Laboratory for Molecular Medicine, Mass General Brigham Personalized Medicine); PubMed 28388566 (cited by Laboratory for Molecular Medicine, Mass General Brigham Personalized Medicine); PubMed 9829911 (cited by Laboratory for Molecular Medicine, Mass General Brigham Personalized Medicine).

NM_000551.4(VHL):c.433_439del (p.Gln145fs)

Genes: VHL (von Hippel-Lindau tumor suppressor; plus strand), LOC107303340 (3p25 von Hippel-Lindau tumor suppressor, E3 ubiquitin protein ligase Alu-mediated recombination region; plus strand). Cytogenetic location: 3p25.3.
Variant type: Deletion.
Coding change: c.433_439del on transcript NM_000551.4 (MANE Select); coding-DNA positions 433 to 439, 7 bases deleted (CAGCCTA; older notation c.433_439delCAGCCTA).
Protein change: p.Gln145fs; shifts the reading frame from glutamine 145.
Molecular consequence: frameshift variant. On other transcripts: intron variant (2).
Genome position (GRCh38, 1-based): chr3:10,146,606-10,146,612, CAGCCTA deleted; deleting any 7 consecutive bases within chr3:10,146,605-10,146,612 gives the same sequence; the c. name uses the placement nearest the transcript's 3' end. VCF-style (leftmost placement, unchanged base first): chr3-10146604-GACAGCCT-G. GRCh37 (hg19) VCF-style: chr3-10188288-GACAGCCT-G.
Other names: c.*18-3181_*18-3175del (NM_001354723.2); c.341-3181_341-3175del (NM_198156.3); c.433_439delCAGCCTA (NM_000551.3); short protein forms Q145fs.
Identifiers: ClinVar variation 625248 (VCV000625248.5), dbSNP rs1559428217, ClinGen allele CA645524977.